The following is an entry in ClinVar:

NM_014018.3(MRPS28):c.307C>T (p.Arg103Trp)

Genes: MRPS28 (mitochondrial ribosomal protein S28; minus strand), TPD52-MRPS28 (TPD52-MRPS28 readthrough; minus strand). Cytogenetic location: 8q21.13.
Variant type: single nucleotide variant.
Coding change: c.307C>T on transcript NM_014018.3 (MANE Select); coding-DNA position 307, C replaced by T.
Protein change: p.Arg103Trp; replaces arginine 103 with tryptophan.
Molecular consequence: missense variant.
Genome position (GRCh38, 1-based): chr8:80,003,087, G>A on the plus strand (C>T on the coding strand, the complement: MRPS28 is on the minus strand). VCF-style: chr8-80003087-G-A. GRCh37 (hg19) VCF-style: chr8-80915322-G-A.
Other names: c.529C>T, p.Arg177Trp (NM_001387778.1); short protein forms R103W, R177W.
Identifiers: ClinVar variation 3038620 (VCV003038620.2), dbSNP rs16919579, ClinGen allele CA4789972.
Genomic context (GRCh38, chr8:80,003,087, plus strand): 5'-CACAATGAAACTTTCCACCAAAATCTATGTACAGATCATTCTCCACAATATGAAAGATCC[G>A]TCCAATGACCAGTTTATCCTTTGCAGGTCCCATCTGTGTAAGAGGAGAATGTCTCAGCAT-3'
Protein context (NP_054737.1, residues 93-113): GPAKDKLVIG[Arg103Trp]IFHIVENDLY

ClinVar aggregate classification (germline): Benign (0 of 4 stars; one submission).

Conditions:
MRPS28-related disorder. Also called: MRPS28-related condition.

Allele frequency attached by ClinVar (database versions not stated): gnomAD exomes 0.00217; ExAC 0.00684; gnomAD 0.02279; 1000 Genomes Project 0.02296; ESP Exome Variant Server 0.02507; 1000 Genomes Project 30x 0.02545; TOPMed 0.02566.
gnomAD v4.1: 6,763 of 1,613,514 alleles (0.42%); highest among the groups gnomAD compares: African/African-American, 7.8%; 260 homozygotes.

Submission:

PreventionGenetics, part of Exact Sciences
Classification: Benign for MRPS28-related condition. Last evaluated: 2020-01-28. Review status: no assertion criteria provided. Collection method: clinical testing. Allele origin: germline.
Comment: This variant is classified as benign based on ACMG/AMP sequence variant interpretation guidelines (Richards et al. 2015 PMID: 25741868, with internal and published modifications).